The following is an entry in ClinVar:

NM_198253.3(TERT):c.3296-5C>T

Gene: TERT (telomerase reverse transcriptase; minus strand). Cytogenetic location: 5p15.33.
Variant type: single nucleotide variant.
Coding change: c.3296-5C>T on transcript NM_198253.3 (MANE Select); 5 bases into the intron before coding-DNA position 3296, C replaced by T.
Molecular consequence: intron variant.
Genome position (GRCh38, 1-based): chr5:1,253,836, G>A on the plus strand (C>T on the coding strand, the complement: TERT is on the minus strand). VCF-style: chr5-1253836-G-A. GRCh37 (hg19) VCF-style: chr5-1253951-G-A.
Other names: c.3107-5C>T (NM_001193376.3).
Identifiers: ClinVar variation 706751 (VCV000706751.17), dbSNP rs371015305, ClinGen allele CA3184221.

ClinVar aggregate classification (germline): Conflicting classifications of pathogenicity. Review status: criteria provided, conflicting classifications (1 of 4 stars). 4 submissions from 4 submitters: Uncertain significance (2); Likely benign (2). Last evaluated 2025-06-17.

Conditions:
Dyskeratosis congenita. Identifiers: Orphanet 1775, MedGen C0265965, MONDO:0015780.
Idiopathic Pulmonary Fibrosis. Also called: Idiopathic fibrosing alveolitis, chronic form; idiopathic fibrosing alveolitis. Identifiers: Orphanet 2032, MedGen C1800706, MeSH D054990, MONDO:0800504.
Dyskeratosis congenita, autosomal dominant 2. Identifiers: MedGen C3151443, MONDO:0013521, OMIM 613989.

Allele frequency attached by ClinVar (database versions not stated): gnomAD exomes 0.00002 and 0.00006; gnomAD 0.00007 and 0.00008; ESP Exome Variant Server 0.00008; TOPMed 0.00008; 1000 Genomes Project 0.00020; 1000 Genomes Project 30x 0.00031.
gnomAD v4.1: 44 of 1,605,922 alleles (0.0027%); highest among the groups gnomAD compares: Admixed American, 0.012%; no homozygotes.

Submissions (4):

Labcorp Genetics (formerly Invitae), Labcorp
Classification: Likely benign for Dyskeratosis congenita, autosomal dominant 2; Idiopathic Pulmonary Fibrosis. Last evaluated: 2025-06-17. Review status: criteria provided, single submitter. Criteria: Invitae Variant Classification Sherloc (09022015). Collection method: clinical testing. Allele origin: germline.

Ambry Genetics
Classification: Uncertain significance for Dyskeratosis congenita. Last evaluated: 2025-03-12. Review status: criteria provided, single submitter. Criteria: Ambry Variant Classification Scheme 2023. Collection method: clinical testing. Allele origin: germline.
Comment: The c.3296-5C>T intronic variant results from a C to T substitution 5 nucleotides upstream from coding exon 16 in the TERT gene. This nucleotide position is not well conserved in available vertebrate species. In silico splice site analysis predicts that this alteration will not have any significant effect on splicing. Based on the available evidence, the clinical significance of this variant remains unclear.

Blueprint Genetics
Classification: Likely benign. Last evaluated: 2024-02-14. Review status: criteria provided, single submitter. Criteria: ACMG Guidelines, 2015. Collection method: clinical testing. Allele origin: germline.

Genetic Services Laboratory, University of Chicago
Classification: Uncertain significance. Last evaluated: 2021-01-27. Review status: criteria provided, single submitter. Criteria: ACMG Guidelines, 2015. Collection method: clinical testing. Allele origin: germline. Affected: no.
Comment: DNA sequence analysis of the TERT gene demonstrated a sequence change in intron 15, c.3296-5C>T. This change does not appear to have been previously described in patients with TERT-related disorders and has been described in the gnomAD with a low population frequency of 0.0069% (dbSNP rs371015305). This sequence change is not clearly predicted to have a deleterious effect on splicing based on in silico splice prediction programs. It is possible that this sequence change represents a benign sequence change in the TERT gene that has not been identified to date. The functional significance of this sequence change is not known at present and its contribution to this patient's disease phenotype cannot definitively be determined.